The following is an entry in ClinVar:

ClinVar aggregate classification (germline): Conflicting classifications of pathogenicity. Review status: criteria provided, conflicting classifications (1 of 4 stars). 5 submissions from 5 submitters: Uncertain significance (3); Benign (1); Likely benign (1). Last evaluated 2025-09-01.

Conditions:
ZTTK syndrome (ZTTKS). Also called: ZTTK MULTIPLE CONGENITAL ANOMALIES-MENTAL RETARDATION SYNDROME; Zhu-Tokita-Takenouchi-Kim Syndrome. Identifiers: Orphanet 500150, MedGen C4310696, MONDO:0014936, OMIM 617140.

Allele frequency attached by ClinVar (database versions not stated): gnomAD 0.00013; gnomAD exomes 0.00014; 1000 Genomes Project 30x 0.00016; 1000 Genomes Project 0.00020; ESP Exome Variant Server 0.00023; TOPMed 0.00012; ExAC 0.00013.
gnomAD v4.1: 248 of 1,614,218 alleles (0.015%); highest among the groups gnomAD compares: Non-Finnish European, 0.019%; no homozygotes.

Submissions (5):

CeGaT Center for Human Genetics Tuebingen
Classification: Likely benign. Last evaluated: 2025-09-01. Review status: criteria provided, single submitter. Criteria: CeGaT Center For Human Genetics Tuebingen Variant Classification Criteria Version 2. Collection method: clinical testing. Allele origin: germline. Affected: yes. Observed: 1 variant allele.
Comment: SON: BS2

Labcorp Genetics (formerly Invitae), Labcorp
Classification: Benign. Last evaluated: 2025-05-27. Review status: criteria provided, single submitter. Criteria: Invitae Variant Classification Sherloc (09022015). Collection method: clinical testing. Allele origin: germline.

Revvity Omics, Revvity
Classification: Uncertain significance for ZTTK syndrome. Last evaluated: 2019-10-29. Review status: criteria provided, single submitter. Criteria: ACMG Guidelines, 2015. Collection method: clinical testing. Allele origin: germline.

Eurofins Ntd Llc (ga)
Classification: Uncertain significance. Last evaluated: 2018-07-10. Review status: criteria provided, single submitter. Criteria: EGL ClinVar v180209 classification definitions. Collection method: clinical testing. Allele origin: germline. Observed: 1 variant allele, 1 heterozygote.

Breakthrough Genomics
Classification: Uncertain significance. Review status: criteria provided, single submitter. Criteria: ACMG Guidelines, 2015. Collection method: not provided. Allele origin: germline. Inheritance: Autosomal dominant inheritance. Affected: yes.

NM_138927.4(SON):c.5200G>A (p.Val1734Met)

Gene: SON (SON DNA and RNA binding protein; plus strand). Cytogenetic location: 21q22.11.
Variant type: single nucleotide variant.
Coding change: c.5200G>A on transcript NM_138927.4 (MANE Select); coding-DNA position 5200, G replaced by A.
Protein change: p.Val1734Met; replaces valine 1734 with methionine.
Molecular consequence: missense variant. On other transcripts: non-coding transcript variant (1), intron variant (1).
Genome position (GRCh38, 1-based): chr21:33,554,431, G>A. VCF-style: chr21-33554431-G-A. GRCh37 (hg19) VCF-style: chr21-34926737-G-A.
Other names: c.5200G>A, p.Val1734Met (NM_001291411.2, NM_032195.3); c.245-2725G>A (NM_001291412.3); c.5200G>A (NM_032195.2); short protein forms V1734M.
Identifiers: ClinVar variation 597920 (VCV000597920.19), dbSNP rs146053621, ClinGen allele CA10009679.